The following is an entry in ClinVar:

ClinVar aggregate classification (germline): Uncertain significance. Review status: criteria provided, multiple submitters, no conflicts (2 of 4 stars). 3 submissions from 3 submitters: Uncertain significance (3). Last evaluated 2025-11-25.

Conditions:
Hereditary cancer-predisposing syndrome. Also called: Neoplastic Syndromes, Hereditary; Tumor predisposition; Hereditary Cancer Syndrome; Hereditary neoplastic syndrome. Identifiers: Orphanet 140162, MedGen C0027672, MeSH D009386, MONDO:0015356.
Hereditary pheochromocytoma and paraganglioma. Also called: Hereditary paragangliomas and pheochromocytomas; Hereditary Paraganglioma-Pheochromocytoma Syndromes; Hereditary pheochromocytoma-paraganglioma. Identifiers: Orphanet 29072, MedGen C4274332, MONDO:0017366.

Allele frequency attached by ClinVar (database versions not stated): gnomAD exomes 0.00001.
gnomAD v4.1: 4 of 1,583,172 alleles (0.00025%); highest among the groups gnomAD compares: South Asian, 0.0011%; no homozygotes.

Submissions (3):

Labcorp Genetics (formerly Invitae), Labcorp
Classification: Uncertain significance for Hereditary pheochromocytoma and paraganglioma. Last evaluated: 2025-11-25. Review status: criteria provided, single submitter. Criteria: Invitae Variant Classification Sherloc (09022015). Collection method: clinical testing. Allele origin: germline.
Comment: This sequence change replaces leucine, which is neutral and non-polar, with proline, which is neutral and non-polar, at codon 39 of the TMEM127 protein (p.Leu39Pro). This variant is not present in population databases (gnomAD no frequency). This variant has not been reported in the literature in individuals affected with TMEM127-related conditions. ClinVar contains an entry for this variant (Variation ID: 859543). An algorithm developed to predict the effect of missense changes on protein structure and function (PolyPhen-2) suggests that this variant is likely to be disruptive. In summary, the available evidence is currently insufficient to determine the role of this variant in disease. Therefore, it has been classified as a Variant of Uncertain Significance.

Ambry Genetics
Classification: Uncertain significance for Hereditary cancer-predisposing syndrome. Last evaluated: 2025-09-26. Review status: criteria provided, single submitter. Criteria: Ambry Variant Classification Scheme 2023. Collection method: clinical testing. Allele origin: germline.
Comment: The p.L39P variant (also known as c.116T>C), located in coding exon 1 of the TMEM127 gene, results from a T to C substitution at nucleotide position 116. The leucine at codon 39 is replaced by proline, an amino acid with similar properties. This amino acid position is not well conserved in available vertebrate species. In addition, this alteration is predicted to be deleterious by in silico analysis. Since supporting evidence is limited at this time, the clinical significance of this alteration remains unclear.

Blueprint Genetics
Classification: Uncertain significance. Last evaluated: 2023-06-01. Review status: criteria provided, single submitter. Criteria: ACMG Guidelines, 2015. Collection method: clinical testing. Allele origin: germline.

NM_017849.4(TMEM127):c.116T>C (p.Leu39Pro)

Genes: TMEM127 (transmembrane protein 127; minus strand), LOC129934333 (ATAC-STARR-seq lymphoblastoid silent region 11759; plus strand). Cytogenetic location: 2q11.2.
Variant type: single nucleotide variant.
Coding change: c.116T>C on transcript NM_017849.4 (MANE Select); coding-DNA position 116, T replaced by C.
Protein change: p.Leu39Pro; replaces leucine 39 with proline.
Molecular consequence: missense variant.
Genome position (GRCh38, 1-based): chr2:96,265,266, A>G on the plus strand (T>C on the coding strand, the complement: TMEM127 is on the minus strand). VCF-style: chr2-96265266-A-G. GRCh37 (hg19) VCF-style: chr2-96931004-A-G.
Other names: c.116T>C, p.Leu39Pro (NM_001193304.3); short protein forms L39P.
Identifiers: ClinVar variation 859543 (VCV000859543.13), dbSNP rs1684392845, ClinGen allele CA347656083.
Genomic context (GRCh38, chr2:96,265,266, plus strand): 5'-CCTCCGTGGATGTGCAACCAGGCGGGCTCGGCGAGGGCAGTGCACAGCGCCGTGATAGAC[A>G]GGGCGCCAGGCAGGGCCGAGGCCAGGCTACGCTCCGGCTGCTTGGGCAGAGCGCTGCCTC-3'
Protein context (NP_060319.1, residues 29-49): RSLASALPGA[Leu39Pro]SITALCTALA